The following is an entry in ClinVar:

NM_000701.8(ATP1A1):c.116T>G (p.Val39Gly)

Gene: ATP1A1 (ATPase Na+/K+ transporting subunit alpha 1; plus strand). Cytogenetic location: 1p13.1.
Variant type: single nucleotide variant.
Coding change: c.116T>G on transcript NM_000701.8 (MANE Select); coding-DNA position 116, T replaced by G.
Protein change: p.Val39Gly; replaces valine 39 with glycine.
Molecular consequence: missense variant.
Genome position (GRCh38, 1-based): chr1:116,384,117, T>G. VCF-style: chr1-116384117-T-G. GRCh37 (hg19) VCF-style: chr1-116926739-T-G.
Other names: c.116T>G, p.Val39Gly (NM_001160233.2); c.23T>G, p.Val8Gly (NM_001160234.2); short protein forms V39G, V8G.
Identifiers: ClinVar variation 4746706 (VCV004746706.1).

ClinVar aggregate classification (germline): Uncertain significance (1 of 4 stars; one submission).

Submission:

Labcorp Genetics (formerly Invitae), Labcorp
Classification: Uncertain significance. Last evaluated: 2025-12-19. Review status: criteria provided, single submitter. Criteria: Invitae Variant Classification Sherloc (09022015). Collection method: clinical testing. Allele origin: germline.
Comment: This sequence change replaces valine, which is neutral and non-polar, with glycine, which is neutral and non-polar, at codon 39 of the ATP1A1 protein (p.Val39Gly). This variant is not present in population databases (gnomAD no frequency). This variant has not been reported in the literature in individuals affected with ATP1A1-related conditions. Invitae Evidence Modeling of protein sequence and biophysical properties (such as structural, functional, and spatial information, amino acid conservation, physicochemical variation, residue mobility, and thermodynamic stability) has been performed for this missense variant. However, the output from this modeling did not meet the statistical confidence thresholds required to predict the impact of this variant on ATP1A1 protein function. In summary, the available evidence is currently insufficient to determine the role of this variant in disease. Therefore, it has been classified as a Variant of Uncertain Significance.